The following is an entry in ClinVar:

NM_058216.3(RAD51C):c.706-2A>G

Gene: RAD51C (RAD51 paralog C; plus strand). Cytogenetic location: 17q22.
Variant type: single nucleotide variant.
Coding change: c.706-2A>G on transcript NM_058216.3 (MANE Select); the canonical splice acceptor site of the intron before coding-DNA position 706, A replaced by G.
Molecular consequence: splice acceptor variant.
Genome position (GRCh38, 1-based): chr17:58,709,857, A>G. VCF-style: chr17-58709857-A-G. GRCh37 (hg19) VCF-style: chr17-56787218-A-G.
Other names: IVS4-2A>G.
Identifiers: ClinVar variation 128209 (VCV000128209.91), dbSNP rs587780259, ClinGen allele CA288628.

ClinVar aggregate classification (germline): Pathogenic/Likely pathogenic. Review status: criteria provided, multiple submitters, no conflicts (2 of 4 stars). 30 submissions from 29 submitters: Pathogenic (19); Likely pathogenic (6). 5 of the submissions do not count toward it. Last evaluated 2026-03-12.

Conditions:
Inherited ovarian cancer (without breast cancer).
Familial ovarian cancer. Identifiers: MedGen C5679802, MONDO:0016248.
RAD51C-related disorder. Also called: RAD51C-related condition; RAD51C-related disorders.
Hereditary cancer-predisposing syndrome. Also called: Tumor predisposition; Hereditary neoplastic syndrome; Neoplastic Syndromes, Hereditary; Hereditary Cancer Syndrome. Identifiers: Orphanet 140162, MedGen C0027672, MeSH D009386, MONDO:0015356.
Breast-ovarian cancer, familial, susceptibility to, 3. Also called: RAD51C-Related Breast/Ovarian Cancer. Identifiers: Orphanet 145, MedGen C3150659, MONDO:0013253, OMIM 613399.
Fanconi anemia complementation group O. Also called: RAD51C-Related Fanconi Anemia. Identifiers: Orphanet 84, MedGen C3150653, MONDO:0013248, OMIM 613390.
Long QT syndrome (LQTS). Identifiers: MedGen C0023976, MeSH D008133, MONDO:0002442. Disease mechanism: loss of function. Inheritance: Various modes of inheritance.
Hereditary breast ovarian cancer syndrome. Also called: Hereditary breast and ovarian cancer syndrome (HBOC); Hereditary breast and ovarian cancer; Hereditary breast and ovarian cancer syndrome; Breast and ovarian cancer; Hereditary breast and/or ovarian cancer syndrome; BRCA1- and BRCA2-Associated Hereditary Breast and Ovarian Cancer. Identifiers: Orphanet 145, MedGen C0677776, MeSH D061325, MONDO:0003582. Disease mechanism: loss of function.
Ovarian neoplasm. Also called: Ovarian tumor; Ovarian Neoplasms; Neoplasm of ovary. Identifiers: MedGen C0919267, MeSH D010051, MONDO:0021068, HP:0100615.

Allele frequency attached by ClinVar (database versions not stated): ExAC 0.00002; gnomAD 0.00002; gnomAD exomes 0.00002 and 0.00003.

Submissions 1 to 13 of 30:

Genetics Laboratory, Great Ormond Street Hospital NHS Foundation Trust, North Thames Genomic Laboratory Hub
Classification: Likely pathogenic for Inherited ovarian cancer (without breast cancer). Last evaluated: 2026-03-12. Review status: criteria provided, single submitter. Criteria: CanVIG RAD51CD Gene Specific V1.2. Collection method: clinical testing. Allele origin: germline. Affected: yes.
Comment: PS4_strong, PVS1_strong

Labcorp Genetics (formerly Invitae), Labcorp
Classification: Pathogenic for Fanconi anemia complementation group O. Last evaluated: 2026-01-19. Review status: criteria provided, single submitter. Criteria: Invitae Variant Classification Sherloc (09022015). Collection method: clinical testing. Allele origin: germline.
Comment: This sequence change affects an acceptor splice site in intron 4 of the RAD51C gene. RNA analysis indicates that disruption of this splice site induces altered splicing and likely results in a shortened protein product. This variant is present in population databases (rs587780259, gnomAD 0.005%). Disruption of this splice site has been observed in individual(s) with breast cancer and ovarian cancer (PMID: 22006311, 22538716, 24549055, 25452441, 26261251, 26681312, 29255180). ClinVar contains an entry for this variant (Variation ID: 128209). Studies have shown that disruption of this splice site results in skipping of exon 5, but is expected to preserve the integrity of the reading-frame (PMID: 22006311, 24139550; internal data). This variant disrupts a region of the RAD51C protein in which other variant(s) (p.Arg258His) have been determined to be pathogenic (PMID: 20400963, 22167183, 26354865). This suggests that this is a clinically significant region of the protein, and that variants that disrupt it are likely to be disease-causing. For these reasons, this variant has been classified as Pathogenic.

Ambry Genetics
Classification: Pathogenic for Hereditary cancer-predisposing syndrome. Last evaluated: 2025-10-10. Review status: criteria provided, single submitter. Criteria: Ambry Variant Classification Scheme 2023. Collection method: clinical testing. Allele origin: germline.
Comment: The c.706-2A>G intronic pathogenic mutation results from an A to G substitution two nucleotides upstream from coding exon 5 of the RAD51C gene. Alterations that disrupt the canonical splice site are expected to result in aberrant splicing. In silico splice site analysis predicts that this alteration will weaken the native splice acceptor site and will result in the creation or strengthening of a novel splice acceptor site. RNA analyses have shown that this mutation leads to skipping of exon 5, resulting in an in-frame deletion of 44 amino acid residues including the Walker B box in the functionally important RecA domain (Walsh T et al. Proc. Natl. Acad. Sci. USA. 2011 Nov;108:18032-7; Golmard L et al. BMC Cancer. 2013 Oct;13:484; Davy G et al. Eur. J. Hum. Genet. 2017 10;25:1147-1154; Ambry internal data). Based on the supporting evidence, this alteration is interpreted as a disease-causing mutation.

PreventionGenetics, part of Exact Sciences
Classification: Pathogenic for RAD51C-related condition. Last evaluated: 2025-05-06. Review status: criteria provided, single submitter. Criteria: ACMG Guidelines, 2015. Collection method: clinical testing. Allele origin: germline.
Comment: The RAD51C c.706-2A>G variant is predicted to disrupt the AG splice acceptor site and interfere with normal splicing. This variant has been reported in individuals with breast and/or ovarian cancer (Table S2, Walsh et al. 2011. PubMed ID: 22006311; Loveday et al. 2012. PubMed ID: 22538716; Table S1, Susswein et al. 2015. PubMed ID: 26681312; Li et al. 2019. PubMed ID: 30949688), squamous cell carcinoma of the head and neck (Scheckenbach et al. 2013. PubMed ID: 24315737), and pancreatic cancer (Table S3, Yurgelun et al. 2018. PubMed ID: 29961768). RT-PCR analysis and minigene assays suggest this variant results in the in-frame skipping of exon 5 (Davy et al. 2017. PubMed ID: 28905878; Sanoguera-Miralles et al. 2020. PubMed ID: 33333735). This variant is reported in 0.0046% of alleles in individuals of European (Non-Finnish) descent in gnomAD and is interpreted as pathogenic/likely pathogenic in ClinVar. Variants that disrupt the consensus splice acceptor site in RAD51C are expected to be pathogenic. This variant is interpreted as pathogenic.

Center for Genomic Medicine, Rigshospitalet, Copenhagen University Hospital
Classification: Pathogenic. Last evaluated: 2025-03-04. Review status: criteria provided, single submitter. Criteria: ACMG Guidelines, 2015. Collection method: clinical testing. Allele origin: germline.

Color Diagnostics, LLC DBA Color Health
Classification: Pathogenic for Hereditary cancer-predisposing syndrome. Last evaluated: 2025-02-18. Review status: criteria provided, single submitter. Criteria: ACMG Guidelines, 2015. Collection method: clinical testing. Allele origin: germline.
Comment: This variant causes an A to G nucleotide substitution at the -2 position of intron 4 of the RAD51C gene. Splice site prediction tools suggest that this variant may have a significant impact on RNA splicing. RNA studies have shown that this variant causes the skipping of exon 5, resulting in an in-frame deletion of 44 amino acids including the Walker B motif in the ATP-binding domain of the RAD51C protein (PMID: 22006311, 24139550, 28905878, 33333735). This variant is expected to cause a defect in RAD51C protein function. This variant has been reported in many individuals affected with breast or ovarian cancer (PMID: 22006311, 22538716, 24139550, 25452441, 26261251, 26681312, 29053726, 29255180). This variant has been identified in 6/282746 chromosomes in the general population by the Genome Aggregation Database (gnomAD). Loss of RAD51C function is a known mechanism of disease. Based on the available evidence, this variant is classified as Pathogenic.

Laboratory of Genetics, Children's Clinical University Hospital Latvia
Classification: Pathogenic. Last evaluated: 2025-02-16. Review status: criteria provided, single submitter. Criteria: ACMG Guidelines, 2015. Collection method: clinical testing. Allele origin: germline. Affected: yes.

Molecular Pathology, Peter Maccallum Cancer Centre
Classification: Likely pathogenic for Familial ovarian cancer. Last evaluated: 2025-01-28. Review status: criteria provided, single submitter. Criteria: ACMG Guidelines, 2015. Collection method: clinical testing. Allele origin: germline. Inheritance: Autosomal dominant inheritance.

GeneDx
Classification: Likely pathogenic. Last evaluated: 2024-08-06. Review status: criteria provided, single submitter. Criteria: GeneDx Variant Classification Process June 2021. Collection method: clinical testing. Allele origin: germline. Affected: yes.
Comment: Canonical splice site variant demonstrated to result in an in-frame loss of the adjacent exon (PMID: 35740625) in a gene for which loss of function is a known mechanism of disease; Observed in individuals with breast and ovarian cancer as well as an individual with a chordoma (PMID: 22006311, 22538716, 24139550, 25452441, 26261251, 29255180, 29053726, 28123851, 28888541, 30441849, 30949688, 34326862, 29522266, 36495689, 38700789); Not observed at significant frequency in large population cohorts (gnomAD); This variant is associated with the following publications: (PMID: 25470109, 24240112, 28123851, 29053726, 29143133, 30949688, 24315737, 22006311, 22538716, 24139550, 24549055, 25452441, 26261251, 26681312, 26720728, 29255180, 28152038, 28776603, 28905878, 31173646, 30441849, 30322717, 31589614, 33333735, 29961768, 32107557, 32359370, 20400964, 22167183, 26354865, 21990120, 20400963, 35740625, 14704354, 34326862, 29922827, 28888541, 29522266, 36495689, 38700789)

Blueprint Genetics
Classification: Pathogenic for RAD51C-related disorders. Last evaluated: 2024-03-19. Review status: criteria provided, single submitter. Criteria: ACMG Guidelines, 2015. Collection method: clinical testing. Allele origin: germline. Affected: yes. Observed: 5 variant alleles.

Baylor Genetics
Classification: Pathogenic for Breast-ovarian cancer, familial, susceptibility to, 3. Last evaluated: 2024-02-26. Review status: criteria provided, single submitter. Criteria: ACMG Guidelines, 2015. Collection method: clinical testing. Allele origin: unknown.

CeGaT Center for Human Genetics Tuebingen
Classification: Pathogenic. Last evaluated: 2024-01-01. Review status: criteria provided, single submitter. Criteria: CeGaT Center For Human Genetics Tuebingen Variant Classification Criteria Version 2. Collection method: clinical testing. Allele origin: germline. Affected: yes. Observed: 2 variant alleles.
Comment: RAD51C: PVS1, PS3:Supporting, PS4:Supporting

Clinical Genetics Laboratory, Skane University Hospital Lund
Classification: Pathogenic. Last evaluated: 2023-11-20. Review status: criteria provided, single submitter. Criteria: ACMG Guidelines, 2015. Collection method: clinical testing. Allele origin: germline. Affected: yes.